The following is an entry in ClinVar:

NM_001378454.1(ALMS1):c.6343dup (p.Thr2115fs)

Gene: ALMS1 (ALMS1 centrosome and basal body associated protein; plus strand). Cytogenetic location: 2p13.1.
Variant type: Duplication.
Coding change: c.6343dup on transcript NM_001378454.1 (MANE Select); coding-DNA position 6343, one base duplicated (A; older notation c.6343dupA).
Protein change: p.Thr2115fs; shifts the reading frame from threonine 2115.
Molecular consequence: frameshift variant.
Genome position (GRCh38, 1-based): chr2:73,452,870, A duplicated; the last of 2 consecutive A bases (chr2:73,452,869-73,452,870); duplicating either gives the same sequence. VCF-style (leftmost placement, unchanged base first): chr2-73452868-T-TA. GRCh37 (hg19) VCF-style: chr2-73679995-T-TA.
Other names: c.6346dup, p.Thr2116fs (NM_015120.4); short protein forms T2116fs, T2115fs.
Identifiers: ClinVar variation 2835853 (VCV002835853.3), dbSNP rs2466108824, ClinGen allele CA2739271082.

ClinVar aggregate classification (germline): Pathogenic (1 of 4 stars; one submission).

Conditions:
Alstrom syndrome (ALMS). Identifiers: Orphanet 64, MedGen C0268425, MONDO:0008763, OMIM 203800.

Submission:

Labcorp Genetics (formerly Invitae), Labcorp
Classification: Pathogenic for Alstrom syndrome. Last evaluated: 2023-02-09. Review status: criteria provided, single submitter. Criteria: Invitae Variant Classification Sherloc (09022015). Collection method: clinical testing. Allele origin: germline.
Comment: For these reasons, this variant has been classified as Pathogenic. This variant has not been reported in the literature in individuals affected with ALMS1-related conditions. This variant is not present in population databases (gnomAD no frequency). This sequence change creates a premature translational stop signal (p.Thr2116Asnfs*2) in the ALMS1 gene. It is expected to result in an absent or disrupted protein product. Loss-of-function variants in ALMS1 are known to be pathogenic (PMID: 17594715).

Literature cited by the submitters: PubMed 17594715.